The following is an entry in ClinVar:

ClinVar aggregate classification (germline): Uncertain significance (1 of 4 stars; one submission).

Submission:

Labcorp Genetics (formerly Invitae), Labcorp
Classification: Uncertain significance. Last evaluated: 2024-04-29. Review status: criteria provided, single submitter. Criteria: Invitae Variant Classification Sherloc (09022015). Collection method: clinical testing. Allele origin: germline.
Comment: This sequence change replaces alanine, which is neutral and non-polar, with glycine, which is neutral and non-polar, at codon 915 of the OTOGL protein (p.Ala915Gly). This variant is not present in population databases (gnomAD no frequency). This variant has not been reported in the literature in individuals affected with OTOGL-related conditions. ClinVar contains an entry for this variant (Variation ID: 2089692). An algorithm developed to predict the effect of missense changes on protein structure and function (PolyPhen-2) suggests that this variant is likely to be tolerated. In summary, the available evidence is currently insufficient to determine the role of this variant in disease. Therefore, it has been classified as a Variant of Uncertain Significance.

NM_001378609.3(OTOGL):c.2771C>G (p.Ala924Gly)

Gene: OTOGL (otogelin like; plus strand). Cytogenetic location: 12q21.31.
Variant type: single nucleotide variant.
Coding change: c.2771C>G on transcript NM_001378609.3 (MANE Select); coding-DNA position 2771, C replaced by G.
Protein change: p.Ala924Gly; replaces alanine 924 with glycine.
Molecular consequence: missense variant.
Genome position (GRCh38, 1-based): chr12:80,278,257, C>G. VCF-style: chr12-80278257-C-G. GRCh37 (hg19) VCF-style: chr12-80672037-C-G.
Other names: c.2771C>G, p.Ala924Gly (NM_001368062.3, NM_001378610.3, NM_173591.7); short protein forms A924G.
Identifiers: ClinVar variation 2089692 (VCV002089692.4), dbSNP rs2541086393, ClinGen allele CA385858072.